The following is an entry in ClinVar:

NM_000350.3(ABCA4):c.3352C>T (p.His1118Tyr)

Gene: ABCA4 (ATP binding cassette subfamily A member 4; minus strand). Cytogenetic location: 1p22.1.
Variant type: single nucleotide variant.
Coding change: c.3352C>T on transcript NM_000350.3 (MANE Select); coding-DNA position 3352, C replaced by T.
Protein change: p.His1118Tyr; replaces histidine 1118 with tyrosine.
Molecular consequence: missense variant.
Genome position (GRCh38, 1-based): chr1:94,041,379, G>A on the plus strand (C>T on the coding strand, the complement: ABCA4 is on the minus strand). VCF-style: chr1-94041379-G-A. GRCh37 (hg19) VCF-style: chr1-94506935-G-A.
Other names: c.3130C>T, p.His1044Tyr (NM_001425324.1); short protein forms H1118Y, H1044Y.
Identifiers: ClinVar variation 961495 (VCV000961495.15), dbSNP rs369440533, ClinGen allele CA957956.

ClinVar aggregate classification (germline): Pathogenic/Likely pathogenic. Review status: criteria provided, multiple submitters, no conflicts (2 of 4 stars). 5 submissions from 5 submitters: Pathogenic (1); Likely pathogenic (3). 1 of the submissions does not count toward it. Last evaluated 2025-10-20.

Conditions:
ABCA4-related disorder. Also called: ABCA4-related disorders; ABCA4-related condition. Identifiers: MedGen CN239167.
Severe early-childhood-onset retinal dystrophy (STGD1). Also called: STGD; Stargardt macular dystrophy; Juvenile onset macular degeneration; Stargardt disease 1; MACULAR DYSTROPHY WITH FLECKS, TYPE 1. Identifiers: Orphanet 364055, Orphanet 827, MedGen C1855465, MeSH D000080362, MONDO:0009549, OMIM 248200.

Allele frequency attached by ClinVar (database versions not stated): gnomAD 0.00001; TOPMed 0.00002; ExAC 0.00001; ESP Exome Variant Server 0.00008.
gnomAD v4.1: 2 of 1,613,898 alleles (0.00012%); highest among the groups gnomAD compares: African/African-American, 0.0013%; no homozygotes.

Submissions (5):

Labcorp Genetics (formerly Invitae), Labcorp
Classification: Pathogenic. Last evaluated: 2025-10-20. Review status: criteria provided, single submitter. Criteria: Invitae Variant Classification Sherloc (09022015). Collection method: clinical testing. Allele origin: germline.
Comment: This sequence change replaces histidine, which is basic and polar, with tyrosine, which is neutral and polar, at codon 1118 of the ABCA4 protein (p.His1118Tyr). This variant is present in population databases (rs369440533, gnomAD 0.007%). This missense change has been observed in individuals with clinical features of Stargardt disease and inherited retinal dystrophy (PMID: 26551331, 30029497; internal data). ClinVar contains an entry for this variant (Variation ID: 961495). Invitae Evidence Modeling of protein sequence and biophysical properties (such as structural, functional, and spatial information, amino acid conservation, physicochemical variation, residue mobility, and thermodynamic stability) indicates that this missense variant is expected to disrupt ABCA4 protein function with a positive predictive value of 95%. This variant disrupts the p.His1118 amino acid residue in ABCA4. Other variant(s) that disrupt this residue have been determined to be pathogenic (PMID: 25472526, 28559085). This suggests that this residue is clinically significant, and that variants that disrupt this residue are likely to be disease-causing. For these reasons, this variant has been classified as Pathogenic.

3billion
Classification: Likely pathogenic for Severe early-childhood-onset retinal dystrophy. Last evaluated: 2024-01-11. Review status: criteria provided, single submitter. Criteria: ACMG Guidelines, 2015. Collection method: clinical testing. Allele origin: germline. Affected: yes.
Comment: The variant is not observed in the gnomAD v2.1.1 dataset. Predicted Consequence/Location: Missense variant In silico tool predictions suggest damaging effect of the variant on gene or gene product [REVEL: 0.98 (>=0.6, sensitivity 0.68 and specificity 0.92); 3Cnet: 0.87 (>=0.6, sensitivity 0.72 and precision 0.9)]. Same nucleotide change resulting in same amino acid change has been previously reported as pathogenic/likely pathogenic with strong evidence (ClinVar ID: VCV000961495 /PMID: 30029497). Different missense changes at the same codon (p.His1118Asn, p.His1118Asp) have been reported as pathogenic/likely pathogenic with strong evidence (ClinVar ID: VCV001066460, VCV001993341 /PMID: 25472526). Therefore, this variant is classified as Likely pathogenic according to the recommendation of ACMG/AMP guideline.

GeneDx
Classification: Likely pathogenic. Last evaluated: 2023-12-01. Review status: criteria provided, single submitter. Criteria: GeneDx Variant Classification Process June 2021. Collection method: clinical testing. Allele origin: germline. Affected: yes.
Comment: In silico analysis supports that this missense variant has a deleterious effect on protein structure/function; Not observed in large population cohorts (gnomAD); This variant is associated with the following publications: (PMID: 30029497, 26551331, 34954332, 37108442, 33090715, 33261146, 34945039)

Blueprint Genetics
Classification: Likely pathogenic for ABCA4-related disorders. Last evaluated: 2021-10-12. Review status: criteria provided, single submitter. Criteria: ACMG Guidelines, 2015. Collection method: clinical testing. Allele origin: germline. Affected: yes. Observed: 1 variant allele.

Ophthalmo-Genetics Lab, Instituto de Oftalmologia Conde de Valenciana
Classification: Pathogenic for Severe early-childhood-onset retinal dystrophy. Review status: no assertion criteria provided. Collection method: research. Allele origin: germline. Inheritance: Autosomal recessive inheritance. Affected: yes. Not counted in ClinVar's aggregate classification.

Literature cited by the submitters: PubMed 26551331 (cited by Labcorp Genetics (formerly Invitae), Labcorp and Ophthalmo-Genetics Lab, Instituto de Oftalmologia Conde de Valenciana); PubMed 30029497 (cited by Labcorp Genetics (formerly Invitae), Labcorp and 3billion); PubMed 25472526 (cited by Labcorp Genetics (formerly Invitae), Labcorp and 3billion); PubMed 28559085 (cited by Labcorp Genetics (formerly Invitae), Labcorp).